The following is an entry in ClinVar:

ClinVar aggregate classification (germline): Uncertain significance (1 of 4 stars; one submission).

Conditions:
Xanthinuria type II. Also called: Xanthine dehydrogenase and aldehyde oxidase combined deficiency of; XDH and AOX dual deficiency. Identifiers: Orphanet 3467, Orphanet 93602, MedGen C1863688, MONDO:0011346, OMIM 603592.

Allele frequency attached by ClinVar (database versions not stated): gnomAD 0.00001; gnomAD exomes 0.00001; TOPMed 0.00001.
gnomAD v4.1: 12 of 1,614,046 alleles (0.00074%); highest among the groups gnomAD compares: Non-Finnish European, 0.00085%; no homozygotes.

Submission:

Labcorp Genetics (formerly Invitae), Labcorp
Classification: Uncertain significance for Xanthinuria type II. Last evaluated: 2021-12-02. Review status: criteria provided, single submitter. Criteria: Invitae Variant Classification Sherloc (09022015). Collection method: clinical testing. Allele origin: germline.
Comment: This variant is present in population databases (no rsID available, gnomAD 0.0009%). This sequence change replaces tyrosine, which is neutral and polar, with cysteine, which is neutral and slightly polar, at codon 263 of the MOCOS protein (p.Tyr263Cys). In summary, the available evidence is currently insufficient to determine the role of this variant in disease. Therefore, it has been classified as a Variant of Uncertain Significance. Algorithms developed to predict the effect of sequence changes on RNA splicing suggest that this variant may create or strengthen a splice site. Algorithms developed to predict the effect of missense changes on protein structure and function are either unavailable or do not agree on the potential impact of this missense change (SIFT: "Deleterious"; PolyPhen-2: "Probably Damaging"; Align-GVGD: "Class C0"). This variant has not been reported in the literature in individuals affected with MOCOS-related conditions.

NM_017947.4(MOCOS):c.788A>G (p.Tyr263Cys)

Gene: MOCOS (molybdenum cofactor sulfurase; plus strand). Cytogenetic location: 18q12.2.
Variant type: single nucleotide variant.
Coding change: c.788A>G on transcript NM_017947.4 (MANE Select); coding-DNA position 788, A replaced by G.
Protein change: p.Tyr263Cys; replaces tyrosine 263 with cysteine.
Molecular consequence: missense variant.
Genome position (GRCh38, 1-based): chr18:36,200,171, A>G. VCF-style: chr18-36200171-A-G. GRCh37 (hg19) VCF-style: chr18-33780134-A-G.
Other names: short protein forms Y263C.
Identifiers: ClinVar variation 2151905 (VCV002151905.4), dbSNP rs771890603, ClinGen allele CA298655143.